The following is an entry in ClinVar:

NM_004260.4(RECQL4):c.310G>T (p.Asp104Tyr)

Gene: RECQL4 (RecQ like helicase 4; minus strand). Cytogenetic location: 8q24.3.
Variant type: single nucleotide variant.
Coding change: c.310G>T on transcript NM_004260.4 (MANE Select); coding-DNA position 310, G replaced by T.
Protein change: p.Asp104Tyr; replaces aspartic acid 104 with tyrosine.
Molecular consequence: missense variant. On other transcripts: 5 prime UTR variant (17), non-coding transcript variant (3).
Genome position (GRCh38, 1-based): chr8:144,517,094, C>A on the plus strand (G>T on the coding strand, the complement: RECQL4 is on the minus strand). VCF-style: chr8-144517094-C-A. GRCh37 (hg19) VCF-style: chr8-145742478-C-A.
Other names: c.310G>T, p.Asp104Tyr (NM_001413017.1, NM_001413018.1, NM_001413019.1 and 5 more transcripts); c.-411G>T (NM_001413021.1); c.-762G>T (NM_001413022.1, NM_001413023.1, NM_001413037.1 and 3 more transcripts); c.-659G>T (NM_001413024.1, NM_001413035.1); c.181G>T, p.Asp61Tyr (NM_001413025.1); c.-824G>T (NM_001413027.1, NM_001413030.1, NM_001413031.1 and 1 more transcripts); c.-487G>T (NM_001413028.1); c.-721G>T (NM_001413032.1); and 3 more; short protein forms D104Y, D61Y.
Identifiers: ClinVar variation 2768178 (VCV002768178.4), dbSNP rs755423437, ClinGen allele CA4949383.
Genomic context (GRCh38, chr8:144,517,094, plus strand): 5'-CCTGCCCACTCCTCACCTGCAGGGTGCCTTTCAGATTGGCCTTGAGCCGCTGCCCGTAGT[C>A]CGGCACCGAGCCCTGGCGGCTCCGCCCTGGCGTAGACTGTGGACTCTTGGTCGCAGCCCG-3'
Protein context (NP_004251.4, residues 94-114): PGRSRQGSVP[Asp104Tyr]YGQRLKANLK

ClinVar aggregate classification (germline): Uncertain significance. Review status: criteria provided, multiple submitters, no conflicts (2 of 4 stars). 2 submissions from 2 submitters: Uncertain significance (2). Last evaluated 2026-04-26.

Conditions:
Inborn genetic diseases. Identifiers: MedGen C0950123, MeSH D030342.
Baller-Gerold syndrome (BGS). Also called: CRANIOSYNOSTOSIS WITH RADIAL DEFECTS. Identifiers: Orphanet 1225, MedGen C0265308, MONDO:0009039, OMIM 218600.

Allele frequency attached by ClinVar (database versions not stated): gnomAD exomes below 0.00001; ExAC 0.00001.
gnomAD v4.1: 3 of 1,612,460 alleles (0.00019%); highest among the groups gnomAD compares: Non-Finnish European, 0.00017%; no homozygotes.

Submissions (2):

Ambry Genetics
Classification: Uncertain significance for Inborn genetic diseases. Last evaluated: 2026-04-26. Review status: criteria provided, single submitter. Criteria: Ambry Variant Classification Scheme 2023. Collection method: clinical testing. Allele origin: germline.
Comment: The p.D104Y variant (also known as c.310G>T), located in coding exon 4 of the RECQL4 gene, results from a G to T substitution at nucleotide position 310. The aspartic acid at codon 104 is replaced by tyrosine, an amino acid with highly dissimilar properties. This amino acid position is conserved. In addition, the in silico prediction for this alteration is inconclusive. Based on the available evidence, the clinical significance of this variant remains unclear.

Labcorp Genetics (formerly Invitae), Labcorp
Classification: Uncertain significance for Baller-Gerold syndrome. Last evaluated: 2023-10-14. Review status: criteria provided, single submitter. Criteria: Invitae Variant Classification Sherloc (09022015). Collection method: clinical testing. Allele origin: germline.
Comment: This sequence change replaces aspartic acid, which is acidic and polar, with tyrosine, which is neutral and polar, at codon 104 of the RECQL4 protein (p.Asp104Tyr). The frequency data for this variant in the population databases is considered unreliable, as metrics indicate poor data quality at this position in the gnomAD database. This variant has not been reported in the literature in individuals affected with RECQL4-related conditions. Advanced modeling of protein sequence and biophysical properties (such as structural, functional, and spatial information, amino acid conservation, physicochemical variation, residue mobility, and thermodynamic stability) performed at Invitae indicates that this missense variant is not expected to disrupt RECQL4 protein function. In summary, the available evidence is currently insufficient to determine the role of this variant in disease. Therefore, it has been classified as a Variant of Uncertain Significance.